The following is an entry in ClinVar:

NM_001903.5(CTNNA1):c.1636C>A (p.Arg546=)

Gene: CTNNA1 (catenin alpha 1; plus strand). Cytogenetic location: 5q31.2.
Variant type: single nucleotide variant.
Coding change: c.1636C>A on transcript NM_001903.5 (MANE Select); coding-DNA position 1636, C replaced by A.
Protein change: p.Arg546=; no amino-acid change (arginine 546 retained).
Molecular consequence: synonymous variant.
Genome position (GRCh38, 1-based): chr5:138,924,599, C>A. VCF-style: chr5-138924599-C-A. GRCh37 (hg19) VCF-style: chr5-138260288-C-A.
Other names: c.187C>A, p.Arg63= (NM_001324007.1, NM_001324008.1, NM_001324009.1 and 2 more transcripts); c.433C>A, p.Arg145= (NM_001324011.1); c.283C>A, p.Arg95= (NM_001324012.1, NM_001324013.1); c.526C>A, p.Arg176= (NM_001323988.1, NM_001323989.1, NM_001323990.1 and 17 more transcripts); c.1636C>A, p.Arg546= (NM_001290307.3, NM_001323982.2, NM_001323983.1 and 2 more transcripts); c.1327C>A, p.Arg443= (NM_001290309.3); c.1267C>A, p.Arg423= (NM_001290310.3); c.1543C>A, p.Arg515= (NM_001323986.2).
Identifiers: ClinVar variation 3773239 (VCV003773239.1).

ClinVar aggregate classification (germline): Benign (1 of 4 stars; one submission).

Conditions:
Hereditary diffuse gastric adenocarcinoma (HDGC). Also called: DIFFUSE GASTRIC AND LOBULAR BREAST CANCER SYNDROME. Identifiers: Orphanet 26106, MedGen C1708349, MONDO:0007648, OMIM 137215.

gnomAD v4.1: 1 of 1,614,162 alleles (0.000062%); highest among the groups gnomAD compares: Non-Finnish European, 0.000085%; no homozygotes.

Submission:

Myriad Genetics, Inc.
Classification: Benign for Hereditary diffuse gastric adenocarcinoma. Last evaluated: 2024-10-11. Review status: criteria provided, single submitter. Criteria: Myriad Autosomal Dominant, Autosomal Recessive and X-Linked Classification Criteria (2023). Collection method: clinical testing. Allele origin: unknown.
Comment: This variant is considered benign. This variant is a silent/synonymous amino acid change and it is not expected to impact splicing.